The following is an entry in ClinVar:

NM_007198.4(PLPBP):c.52C>T (p.Arg18Trp)

Genes: PLPBP (pyridoxal phosphate binding protein; plus strand), LOC113788277 (Sharpr-MPRA regulatory region 13802; plus strand). Cytogenetic location: 8p11.23.
Variant type: single nucleotide variant.
Coding change: c.52C>T on transcript NM_007198.4 (MANE Select); coding-DNA position 52, C replaced by T.
Protein change: p.Arg18Trp; replaces arginine 18 with tryptophan.
Molecular consequence: missense variant. On other transcripts: intron variant (1).
Genome position (GRCh38, 1-based): chr8:37,762,711, C>T. VCF-style: chr8-37762711-C-T. GRCh37 (hg19) VCF-style: chr8-37620229-C-T.
Other names: c.-58+11C>T (NM_001349348.2); c.52C>T, p.Arg18Trp (NM_001349346.2, NM_001349347.2); c.157C>T, p.Arg53Trp (NM_001349349.1); short protein forms R18W, R53W.
Identifiers: ClinVar variation 1032530 (VCV001032530.1), dbSNP rs1341738221, ClinGen allele CA370665785.

ClinVar aggregate classification (germline): Uncertain significance (1 of 4 stars; one submission).

Conditions:
Epilepsy, early-onset, vitamin B6-dependent. Also called: PLPBP Deficiency; EPILEPSY, EARLY-ONSET, 1, VITAMIN B6-DEPENDENT. Identifiers: MedGen C4310632, MONDO:0015005, OMIM 617290.

Allele frequency attached by ClinVar (database versions not stated): gnomAD exomes 0.00002.
gnomAD v4.1: 5 of 1,589,998 alleles (0.00031%); highest among the groups gnomAD compares: East Asian, 0.0023%; no homozygotes.

Submission:

Baylor Genetics
Classification: Uncertain significance for Epilepsy, early-onset, vitamin B6-dependent. Last evaluated: 2018-07-25. Review status: criteria provided, single submitter. Criteria: ACMG Guidelines, 2015. Collection method: clinical testing. Allele origin: paternal. Affected: yes.
Comment: This variant was determined to be of uncertain significance according to ACMG Guidelines, 2015 [PMID:25741868].